The following is an entry in ClinVar:

ClinVar aggregate classification (germline): Uncertain significance (1 of 4 stars; one submission).

Conditions:
Pityriasis rubra pilaris (PRP). Also called: Pityriasis rubra pilaris--familial type. Identifiers: Orphanet 2897, MedGen C0032027, MONDO:0100017, OMIM 173200, MONDO:0008251.
Psoriasis 2. Identifiers: MedGen C1864497, MONDO:0011269, OMIM 602723.

Submission:

Labcorp Genetics (formerly Invitae), Labcorp
Classification: Uncertain significance for Pityriasis rubra pilaris; Psoriasis 2. Last evaluated: 2023-05-01. Review status: criteria provided, single submitter. Criteria: Invitae Variant Classification Sherloc (09022015). Collection method: clinical testing. Allele origin: unknown.
Comment: In summary, the available evidence is currently insufficient to determine the role of this variant in disease. Therefore, it has been classified as a Variant of Uncertain Significance. Experimental studies and prediction algorithms are not available or were not evaluated, and the functional significance of this variant is currently unknown. This variant has not been reported in the literature in individuals affected with CARD14-related conditions. This variant results in a copy number gain of the genomic region encompassing exon(s) 6-21 of the CARD14 gene. This region includes the termination codon of the gene. This copy number gain extends beyond the assayed region for this gene and therefore may encompass additional genes. As the precise location of this event is unknown, it may be in tandem or it may be located elsewhere in the genome.

NC_000017.10:g.(?_78163532)_(78194112_?)dup

Genes: CARD14 (caspase recruitment domain family member 14; plus strand), SGSH (N-sulfoglucosamine sulfohydrolase; minus strand). Cytogenetic location: 17q25.3.
Variant type: Duplication.
Identifiers: ClinVar variation 3242916 (VCV003242916.1).